The following is an entry in ClinVar:

ClinVar aggregate classification (germline): Likely benign. Review status: criteria provided, multiple submitters, no conflicts (2 of 4 stars). 2 submissions from 2 submitters: Likely benign (2). Last evaluated 2025-12-25.

Conditions:
Charcot-Marie-Tooth disease type 4. Also called: Charcot-Marie-Tooth disease, type IV; Charcot-Marie-Tooth, Type 4. Identifiers: Orphanet 64749, MedGen C4082197, MONDO:0018995.

Allele frequency attached by ClinVar (database versions not stated): gnomAD 0.00001; TOPMed 0.00001; gnomAD exomes 0.00005.

Submissions (2):

Labcorp Genetics (formerly Invitae), Labcorp
Classification: Likely benign for Charcot-Marie-Tooth disease type 4. Last evaluated: 2025-12-25. Review status: criteria provided, single submitter. Criteria: Invitae Variant Classification Sherloc (09022015). Collection method: clinical testing. Allele origin: germline.

CeGaT Center for Human Genetics Tuebingen
Classification: Likely benign. Last evaluated: 2024-08-01. Review status: criteria provided, single submitter. Criteria: CeGaT Center For Human Genetics Tuebingen Variant Classification Criteria Version 2. Collection method: clinical testing. Allele origin: germline. Affected: yes. Observed: 2 variant alleles.
Comment: PRX: BP4, BP7

NM_181882.3(PRX):c.1749T>G (p.Pro583=)

Gene: PRX (periaxin; minus strand). Cytogenetic location: 19q13.2.
Variant type: single nucleotide variant.
Coding change: c.1749T>G on transcript NM_181882.3 (MANE Select); coding-DNA position 1749, T replaced by G.
Protein change: p.Pro583=; no amino-acid change (proline 583 retained).
Molecular consequence: synonymous variant. On other transcripts: 3 prime UTR variant (1).
Genome position (GRCh38, 1-based): chr19:40,396,603, A>C on the plus strand (T>G on the coding strand, the complement: PRX is on the minus strand). VCF-style: chr19-40396603-A-C. GRCh37 (hg19) VCF-style: chr19-40902510-A-C.
Other names: c.*1954T>G (NM_020956.2).
Identifiers: ClinVar variation 1617991 (VCV001617991.32), dbSNP rs1234792110, ClinGen allele CA507679652.